The following is an entry in ClinVar:

ClinVar aggregate classification (germline): Benign. Review status: criteria provided, single submitter (1 of 4 stars). 2 submissions from 2 submitters: Benign (1). 1 of the submissions does not count toward it. Last evaluated 2025-09-14.

Conditions:
DHX37-related disorder. Also called: DHX37-related condition; DHX37-Related Disorders.

Allele frequency attached by ClinVar (database versions not stated): TOPMed 0.00040; gnomAD exomes 0.00042; gnomAD 0.00048; ExAC 0.00079; 1000 Genomes Project 0.00200; 1000 Genomes Project 30x 0.00203.
gnomAD v4.1: 680 of 1,583,528 alleles (0.043%); highest among the groups gnomAD compares: East Asian, 1.4%; 7 homozygotes.

Submissions (2):

Labcorp Genetics (formerly Invitae), Labcorp
Classification: Benign. Last evaluated: 2025-09-14. Review status: criteria provided, single submitter. Criteria: Invitae Variant Classification Sherloc (09022015). Collection method: clinical testing. Allele origin: germline.

PreventionGenetics, part of Exact Sciences
Classification: Benign for DHX37-related condition. Last evaluated: 2019-11-26. Review status: no assertion criteria provided. Collection method: clinical testing. Allele origin: germline. Not counted in ClinVar's aggregate classification.
Comment: This variant is classified as benign based on ACMG/AMP sequence variant interpretation guidelines (Richards et al. 2015 PMID: 25741868, with internal and published modifications).

NM_032656.4(DHX37):c.2429G>A (p.Arg810Gln)

Gene: DHX37 (DEAH-box helicase 37; minus strand). Cytogenetic location: 12q24.31.
Variant type: single nucleotide variant.
Coding change: c.2429G>A on transcript NM_032656.4 (MANE Select); coding-DNA position 2429, G replaced by A.
Protein change: p.Arg810Gln; replaces arginine 810 with glutamine.
Molecular consequence: missense variant.
Genome position (GRCh38, 1-based): chr12:124,956,715, C>T on the plus strand (G>A on the coding strand, the complement: DHX37 is on the minus strand). VCF-style: chr12-124956715-C-T. GRCh37 (hg19) VCF-style: chr12-125441261-C-T.
Other names: c.2429G>A (NM_032656.3); short protein forms R810Q.
Identifiers: ClinVar variation 2056657 (VCV002056657.6), dbSNP rs144364142, ClinGen allele CA6871644.